The following is an entry in ClinVar:

ClinVar aggregate classification (germline): Uncertain significance (1 of 4 stars; one submission).

Submission:

GeneDx
Classification: Uncertain significance. Last evaluated: 2022-12-31. Review status: criteria provided, single submitter. Criteria: GeneDx Variant Classification Process June 2021. Collection method: clinical testing. Allele origin: germline. Affected: yes.
Comment: Not observed at significant frequency in large population cohorts (gnomAD); In silico analysis supports that this missense variant has a deleterious effect on protein structure/function; Has not been previously published as pathogenic or benign to our knowledge

NM_007144.3(PCGF2):c.844C>G (p.Pro282Ala)

Genes: CISD3 (CDGSH iron sulfur domain 3; plus strand), PCGF2 (polycomb group ring finger 2; minus strand). Cytogenetic location: 17q12.
Variant type: single nucleotide variant.
Coding change: c.844C>G on transcript NM_007144.3 (MANE Select); coding-DNA position 844, C replaced by G.
Protein change: p.Pro282Ala; replaces proline 282 with alanine.
Molecular consequence: missense variant. On other transcripts: 3 prime UTR variant (1).
Genome position (GRCh38, 1-based): chr17:38,735,414, G>C on the plus strand (C>G on the coding strand, the complement: PCGF2 is on the minus strand). VCF-style: chr17-38735414-G-C. GRCh37 (hg19) VCF-style: chr17-36891667-G-C.
Other names: c.*1959G>C (NM_001136498.2); c.844C>G, p.Pro282Ala (NM_001369614.1, NM_001369615.1); short protein forms P282A.
Identifiers: ClinVar variation 2507120 (VCV002507120.1), dbSNP rs2508665526, ClinGen allele CA398819843.